The following is an entry in ClinVar:

ClinVar aggregate classification (germline): Uncertain significance (1 of 4 stars; one submission).

Conditions:
Charcot-Marie-Tooth disease type 4. Also called: Charcot-Marie-Tooth disease, type IV; Charcot-Marie-Tooth, Type 4. Identifiers: Orphanet 64749, MedGen C4082197, MONDO:0018995.

Allele frequency attached by ClinVar (database versions not stated): TOPMed below 0.00001; gnomAD 0.00001; gnomAD exomes 0.00001; ExAC 0.00002.
gnomAD v4.1: 21 of 1,609,636 alleles (0.0013%); highest among the groups gnomAD compares: East Asian, 0.047%; no homozygotes.

Submission:

Labcorp Genetics (formerly Invitae), Labcorp
Classification: Uncertain significance for Charcot-Marie-Tooth disease type 4. Last evaluated: 2021-09-02. Review status: criteria provided, single submitter. Criteria: Invitae Variant Classification Sherloc (09022015). Collection method: clinical testing. Allele origin: germline.
Comment: This sequence change replaces methionine with threonine at codon 673 of the PRX protein (p.Met673Thr). The methionine residue is moderately conserved and there is a moderate physicochemical difference between methionine and threonine. This variant is present in population databases (rs760571664, ExAC 0.03%). This variant has not been reported in the literature in individuals affected with PRX-related conditions. Algorithms developed to predict the effect of missense changes on protein structure and function (SIFT, PolyPhen-2, Align-GVGD) all suggest that this variant is likely to be tolerated. In summary, the available evidence is currently insufficient to determine the role of this variant in disease. Therefore, it has been classified as a Variant of Uncertain Significance.

NM_181882.3(PRX):c.2018T>C (p.Met673Thr)

Gene: PRX (periaxin; minus strand). Cytogenetic location: 19q13.2.
Variant type: single nucleotide variant.
Coding change: c.2018T>C on transcript NM_181882.3 (MANE Select); coding-DNA position 2018, T replaced by C.
Protein change: p.Met673Thr; replaces methionine 673 with threonine.
Molecular consequence: missense variant. On other transcripts: 3 prime UTR variant (1).
Genome position (GRCh38, 1-based): chr19:40,396,334, A>G on the plus strand (T>C on the coding strand, the complement: PRX is on the minus strand). VCF-style: chr19-40396334-A-G. GRCh37 (hg19) VCF-style: chr19-40902241-A-G.
Other names: c.*2223T>C (NM_020956.2); short protein forms M673T.
Identifiers: ClinVar variation 1017094 (VCV001017094.6), dbSNP rs760571664, ClinGen allele CA9444138.